The following is an entry in ClinVar:

ClinVar aggregate classification (germline): Uncertain significance (1 of 4 stars; one submission).

Conditions:
Inborn genetic diseases. Identifiers: MedGen C0950123, MeSH D030342.

Submission:

Ambry Genetics
Classification: Uncertain significance for Inborn genetic diseases. Last evaluated: 2023-04-18. Review status: criteria provided, single submitter. Criteria: Ambry Variant Classification Scheme 2023. Collection method: clinical testing. Allele origin: germline.
Comment: The p.W372G variant (also known as c.1114T>G), located in coding exon 10 of the LRRK2 gene, results from a T to G substitution at nucleotide position 1114. The tryptophan at codon 372 is replaced by glycine, an amino acid with highly dissimilar properties. This amino acid position is conserved. In addition, the in silico prediction for this alteration is inconclusive. Since supporting evidence is limited at this time, the clinical significance of this alteration remains unclear.

NM_198578.4(LRRK2):c.1114T>G (p.Trp372Gly)

Gene: LRRK2 (leucine rich repeat kinase 2; plus strand). Cytogenetic location: 12q12.
Variant type: single nucleotide variant.
Coding change: c.1114T>G on transcript NM_198578.4 (MANE Select); coding-DNA position 1114, T replaced by G.
Protein change: p.Trp372Gly; replaces tryptophan 372 with glycine.
Molecular consequence: missense variant.
Genome position (GRCh38, 1-based): chr12:40,251,477, T>G. VCF-style: chr12-40251477-T-G. GRCh37 (hg19) VCF-style: chr12-40645279-T-G.
Other names: short protein forms W372G.
Identifiers: ClinVar variation 2567365 (VCV002567365.2), dbSNP rs2499505272, ClinGen allele CA384408056.
Genomic context (GRCh38, chr12:40,251,477, plus strand): 5'-TCCAGTCATTTATATTTTGACAGATTTCTTTTTTCTCCCCTAATCCAGGAGGCCGCATGC[T>G]GGGCACTAAATAATCTCCTTATGTACCAAAACAGTTTACATGAGAAGATTGGAGATGAAG-3'
Protein context (NP_940980.4, residues 362-382): KNKHVQEAAC[Trp372Gly]ALNNLLMYQN